The following is an entry in ClinVar:

ClinVar aggregate classification (germline): Uncertain significance. Review status: criteria provided, multiple submitters, no conflicts (2 of 4 stars). 2 submissions from 2 submitters: Uncertain significance (2). Last evaluated 2025-08-22.

Conditions:
Inborn genetic diseases. Identifiers: MedGen C0950123, MeSH D030342.
Primary ciliary dyskinesia. Also called: Ciliary dyskinesia. Identifiers: Orphanet 244, MedGen C0008780, MONDO:0016575, HP:0012265.

Allele frequency attached by ClinVar (database versions not stated): gnomAD exomes 0.00001; TOPMed 0.00001; ExAC 0.00008.
gnomAD v4.1: 27 of 1,543,586 alleles (0.0017%); highest among the groups gnomAD compares: South Asian, 0.0048%; no homozygotes.

Submissions (2):

Ambry Genetics
Classification: Uncertain significance for Inborn genetic diseases. Last evaluated: 2025-08-22. Review status: criteria provided, single submitter. Criteria: Ambry Variant Classification Scheme 2023. Collection method: clinical testing. Allele origin: germline.

Labcorp Genetics (formerly Invitae), Labcorp
Classification: Uncertain significance for Primary ciliary dyskinesia. Last evaluated: 2022-08-09. Review status: criteria provided, single submitter. Criteria: Invitae Variant Classification Sherloc (09022015). Collection method: clinical testing. Allele origin: germline.
Comment: This sequence change replaces arginine, which is basic and polar, with leucine, which is neutral and non-polar, at codon 124 of the CCNO protein (p.Arg124Leu). ClinVar contains an entry for this variant (Variation ID: 1430647). Algorithms developed to predict the effect of missense changes on protein structure and function output the following: SIFT: "Tolerated"; PolyPhen-2: "Benign"; Align-GVGD: "Class C0". The leucine amino acid residue is found in multiple mammalian species, which suggests that this missense change does not adversely affect protein function. In summary, the available evidence is currently insufficient to determine the role of this variant in disease. Therefore, it has been classified as a Variant of Uncertain Significance. This variant is present in population databases (rs750998590, gnomAD 0.004%). This variant has not been reported in the literature in individuals affected with CCNO-related conditions.

NM_021147.5(CCNO):c.371G>T (p.Arg124Leu)

Gene: CCNO (cyclin O; minus strand). Cytogenetic location: 5q11.2.
Variant type: single nucleotide variant.
Coding change: c.371G>T on transcript NM_021147.5 (MANE Select); coding-DNA position 371, G replaced by T.
Protein change: p.Arg124Leu; replaces arginine 124 with leucine.
Molecular consequence: missense variant. On other transcripts: non-coding transcript variant (2).
Genome position (GRCh38, 1-based): chr5:55,233,153, C>A on the plus strand (G>T on the coding strand, the complement: CCNO is on the minus strand). VCF-style: chr5-55233153-C-A. GRCh37 (hg19) VCF-style: chr5-54528981-C-A.
Other names: c.371G>T (NM_021147.3); short protein forms R124L.
Identifiers: ClinVar variation 1430647 (VCV001430647.8), dbSNP rs750998590, ClinGen allele CA3266805.